The following is an entry in ClinVar:

NM_020778.5(ALPK3):c.-208dup

Gene: ALPK3 (alpha kinase 3; plus strand). Cytogenetic location: 15q25.3.
Variant type: Duplication.
Coding change: c.-208dup on transcript NM_020778.5 (MANE Select); 208 bases upstream of the start codon, one base duplicated (C; older notation c.-208dupC).
Molecular consequence: frameshift variant (on NM_020778.4).
Genome position (GRCh38, 1-based): chr15:84,817,245, C duplicated; the last of 6 consecutive C bases (chr15:84,817,240-84,817,245); duplicating any one gives the same sequence. VCF-style (leftmost placement, unchanged base first): chr15-84817239-G-GC. GRCh37 (hg19) VCF-style: chr15-85360470-G-GC.
Other names: c.399dupC (NM_020778.4).
Identifiers: ClinVar variation 1370788 (VCV001370788.11), dbSNP rs769496975, ClinGen allele CA7708836.
Genomic context (GRCh38, chr15:84,817,239, plus strand): 5'-CCAGGGCCGCCAAGGGAGCGGACTCGGAGCCGGCCCTGGGGCGGGCACATGGGCCCCGGC[G>GC]CCCCCCGGCGTCTCCAAGCCGCGCTGCCCGGGTCGGGCCAGGCCAGGGGAGGGACAGCAG-3'

ClinVar aggregate classification (germline): Conflicting classifications of pathogenicity. Review status: criteria provided, conflicting classifications (1 of 4 stars). 5 submissions from 5 submitters: Uncertain significance (4); Likely benign (1). Last evaluated 2026-09-21.

Conditions:
ALPK3-related disorder. Also called: ALPK3-related condition.
Cardiovascular phenotype. Identifiers: MedGen CN230736.

Submissions (5):

Molecular Diagnostic Laboratory for Inherited Cardiovascular Disease, Montreal Heart Institute
Classification: Likely benign. Last evaluated: 2026-09-21. Review status: criteria provided, single submitter. Criteria: ACMG Guidelines, 2015. Collection method: clinical testing. Allele origin: germline. Affected: no.
Comment: PM2

PreventionGenetics, part of Exact Sciences
Classification: Uncertain significance for ALPK3-related condition. Last evaluated: 2026-03-10. Review status: criteria provided, single submitter. Criteria: ACMG Guidelines, 2015. Collection method: clinical testing. Allele origin: germline.
Comment: The ALPK3 c.399dupC variant is predicted to result in a frameshift and premature protein termination (p.Gly134Argfs*30). This variant has been reported with uncertain significance in the heterozygous state in an individual with hypertrophic cardiomyopathy (Carlo et al. 2022. PubMed ID: 35475074). However, this variant corresponds to a pre-coding position in the primary transcript for this gene (NM_020778.5:c.-208dup). This variant is reported in 0.030% of alleles in individuals of South Asian descent in gnomAD. At this time, the clinical significance of this variant is uncertain due to the absence of conclusive functional and genetic evidence.

Labcorp Genetics (formerly Invitae), Labcorp
Classification: Uncertain significance. Last evaluated: 2025-03-16. Review status: criteria provided, single submitter. Criteria: Invitae Variant Classification Sherloc (09022015). Collection method: clinical testing. Allele origin: germline.
Comment: This sequence change creates a premature translational stop signal (p.Gly134Argfs*30) in the ALPK3 gene. It is unclear whether it will result in an absent or disrupted protein product because an in-frame methionine located at codon 203 has the potential to rescue this truncating variant. The frequency data for this variant in the population databases is considered unreliable, as metrics indicate poor data quality at this position in the gnomAD database. This variant has not been reported in the literature in individuals affected with ALPK3-related conditions. ClinVar contains an entry for this variant (Variation ID: 1370788). In summary, the available evidence is currently insufficient to determine the role of this variant in disease. Therefore, it has been classified as a Variant of Uncertain Significance.

Ambry Genetics
Classification: Uncertain significance for Cardiovascular phenotype. Last evaluated: 2024-05-29. Review status: criteria provided, single submitter. Criteria: Ambry Variant Classification Scheme 2023. Collection method: clinical testing. Allele origin: germline.
Comment: The c.399dupC variant, located in coding exon 1 of the ALPK3 gene, results from a duplication of C at nucleotide position 399, causing a translational frameshift with a predicted alternate stop codon (p.G134Rfs*30). This variant co-occurred with a variant in the DSP gene in an individual with concentric left ventricular hypertrophy (Carlo S et al. Cureus. 2022 Mar;14(3):e23349). This alteration is expected to result in loss of function by premature protein truncation or nonsense-mediated mRNA decay. However, based on data from gnomAD, several loss of function alterations in the first exon of ALPK3 (p.C64* and p.E148Qfs*8) are too frequent to cause disease given the incidence of pediatric cardiomyopathy. The abundance of nonsense and frameshift alleles in the first exon in population databases brings into question the pathogenicity of loss of function alterations in N-terminus of ALPK3 and suggests the possibility of an alternative start site. Since supporting evidence is limited at this time, the clinical significance of this alteration remains unclear.

GeneDx
Classification: Uncertain significance. Last evaluated: 2023-05-11. Review status: criteria provided, single submitter. Criteria: GeneDx Variant Classification Process June 2021. Collection method: clinical testing. Allele origin: germline. Affected: yes.
Comment: Has not been previously published as pathogenic or benign to our knowledge; Located in a region that tolerates variation and lacks pathogenic variants

Literature cited by the submitters: PubMed 35475074 (cited by Ambry Genetics).